The following is an entry in ClinVar:

NM_006662.3(SRCAP):c.6868G>A (p.Ala2290Thr)

Gene: SRCAP (Snf2 related CREBBP activator protein; plus strand). Cytogenetic location: 16p11.2.
Variant type: single nucleotide variant.
Coding change: c.6868G>A on transcript NM_006662.3 (MANE Select); coding-DNA position 6868, G replaced by A.
Protein change: p.Ala2290Thr; replaces alanine 2290 with threonine.
Molecular consequence: missense variant.
Genome position (GRCh38, 1-based): chr16:30,736,338, G>A. VCF-style: chr16-30736338-G-A. GRCh37 (hg19) VCF-style: chr16-30747659-G-A.
Other names: short protein forms A2290T.
Identifiers: ClinVar variation 3572527 (VCV003572527.2).

ClinVar aggregate classification (germline): Uncertain significance (1 of 4 stars; one submission).

gnomAD v4.1: 1 of 1,614,144 alleles (0.000062%); highest among the groups gnomAD compares: Non-Finnish European, 0.000085%; no homozygotes.

Submission:

GeneDx
Classification: Uncertain significance. Last evaluated: 2026-07-09. Review status: criteria provided, single submitter. Criteria: GeneDx Variant Classification Process June 2021. Collection method: clinical testing. Allele origin: germline.
Comment: Not observed at significant frequency in large population cohorts (gnomAD); In silico analysis suggests that this missense variant does not alter protein structure/function; Has not been previously published as pathogenic or benign to our knowledge